The following is an entry in ClinVar:

NM_000089.4(COL1A2):c.3992A>G (p.Tyr1331Cys)

Gene: COL1A2 (collagen type I alpha 2 chain; plus strand). Cytogenetic location: 7q21.3.
Variant type: single nucleotide variant.
Coding change: c.3992A>G on transcript NM_000089.4 (MANE Select); coding-DNA position 3992, A replaced by G.
Protein change: p.Tyr1331Cys; replaces tyrosine 1331 with cysteine.
Molecular consequence: missense variant.
Genome position (GRCh38, 1-based): chr7:94,430,284, A>G. VCF-style: chr7-94430284-A-G. GRCh37 (hg19) VCF-style: chr7-94059596-A-G.
Other names: short protein forms Y1331C.
Identifiers: ClinVar variation 3760843 (VCV003760843.2).

ClinVar aggregate classification (germline): Uncertain significance (1 of 4 stars; one submission).

Conditions:
Ehlers-Danlos syndrome, classic type, 1 (EDSCL1). Also called: EHLERS-DANLOS SYNDROME, GRAVIS TYPE; EHLERS-DANLOS SYNDROME, SEVERE CLASSIC TYPE; Ehlers-Danlos syndrome, type 1; Ehlers-Danlos Syndrome, Classic Type, COL5A1-Related; EDS I. Identifiers: MedGen C0268335, MONDO:0019567, OMIM 130000.
Osteogenesis imperfecta type I (OI1). Also called: OI, TYPE I; OSTEOGENESIS IMPERFECTA TARDA; OSTEOGENESIS IMPERFECTA WITH BLUE SCLERAE; Osteogenesis imperfecta type 1; Lobstein's Disease; Lobstein disease. Identifiers: Orphanet 216796, Orphanet 666, MedGen C0023931, MONDO:0008146, OMIM 166200. Disease mechanism: loss of function.

Submission:

Labcorp Genetics (formerly Invitae), Labcorp
Classification: Uncertain significance for Osteogenesis imperfecta type I; Ehlers-Danlos syndrome, classic type, 1. Last evaluated: 2025-11-03. Review status: criteria provided, single submitter. Criteria: Invitae Variant Classification Sherloc (09022015). Collection method: clinical testing. Allele origin: germline.
Comment: This sequence change replaces tyrosine, which is neutral and polar, with cysteine, which is neutral and slightly polar, at codon 1331 of the COL1A2 protein (p.Tyr1331Cys). This variant is not present in population databases (gnomAD no frequency). This variant has not been reported in the literature in individuals affected with COL1A2-related conditions. ClinVar contains an entry for this variant (Variation ID: 3760843). Invitae Evidence Modeling of protein sequence and biophysical properties (such as structural, functional, and spatial information, amino acid conservation, physicochemical variation, residue mobility, and thermodynamic stability) indicates that this missense variant is expected to disrupt COL1A2 protein function with a positive predictive value of 95%. In summary, the available evidence is currently insufficient to determine the role of this variant in disease. Therefore, it has been classified as a Variant of Uncertain Significance.